The following is an entry in ClinVar:

NM_018489.3(ASH1L):c.3184A>G (p.Ile1062Val)

Gene: ASH1L (ASH1 like histone lysine methyltransferase; minus strand). Cytogenetic location: 1q22.
Variant type: single nucleotide variant.
Coding change: c.3184A>G on transcript NM_018489.3 (MANE Select); coding-DNA position 3184, A replaced by G.
Protein change: p.Ile1062Val; replaces isoleucine 1062 with valine.
Molecular consequence: missense variant.
Genome position (GRCh38, 1-based): chr1:155,479,686, T>C on the plus strand (A>G on the coding strand, the complement: ASH1L is on the minus strand). VCF-style: chr1-155479686-T-C. GRCh37 (hg19) VCF-style: chr1-155449477-T-C.
Other names: c.3184A>G, p.Ile1062Val (NM_001366177.2); short protein forms I1062V.
Identifiers: ClinVar variation 4874461 (VCV004874461.2).

ClinVar aggregate classification (germline): Likely benign (1 of 4 stars; one submission).

gnomAD v4.1: 42 of 1,614,218 alleles (0.0026%); highest among the groups gnomAD compares: South Asian, 0.044%; no homozygotes.

Submission:

CeGaT Center for Human Genetics Tuebingen
Classification: Likely benign. Last evaluated: 2026-04-01. Review status: criteria provided, single submitter. Criteria: CeGaT Center For Human Genetics Tuebingen Variant Classification Criteria Version 2. Collection method: clinical testing. Allele origin: germline. Affected: yes. Observed: 1 variant allele.
Comment: ASH1L: BS1